The following is an entry in ClinVar:

ClinVar aggregate classification (germline): Pathogenic (1 of 4 stars; one submission).

Conditions:
Gorlin syndrome. Also called: Basal cell nevus syndrome; Nevoid Basal Cell Carcinoma Syndrome. Identifiers: Orphanet 377, MedGen C0004779, MONDO:0007187.

Submission:

Labcorp Genetics (formerly Invitae), Labcorp
Classification: Pathogenic for Gorlin syndrome. Last evaluated: 2024-02-15. Review status: criteria provided, single submitter. Criteria: Invitae Variant Classification Sherloc (09022015). Collection method: clinical testing. Allele origin: germline.
Comment: This sequence change affects a donor splice site in intron 5 of the PTCH1 gene. It is expected to disrupt RNA splicing. Variants that disrupt the donor or acceptor splice site typically lead to a loss of protein function (PMID: 16199547), and loss-of-function variants in PTCH1 are known to be pathogenic (PMID: 16301862, 16419085). This variant is not present in population databases (gnomAD no frequency). Disruption of this splice site has been observed in individual(s) with clinical features of basal cell nevus syndrome (Invitae). In at least one individual the variant was observed to be de novo. ClinVar contains an entry for this variant (Variation ID: 2099363). Algorithms developed to predict the effect of sequence changes on RNA splicing suggest that this variant may disrupt the consensus splice site. For these reasons, this variant has been classified as Pathogenic.

Literature cited by the submitters: PubMed 16199547; PubMed 16301862; PubMed 16419085.

NM_000264.5(PTCH1):c.746+1G>A

Gene: PTCH1 (patched 1; minus strand). Cytogenetic location: 9q22.32.
Variant type: single nucleotide variant.
Coding change: c.746+1G>A on transcript NM_000264.5 (MANE Select); the canonical splice donor site of the intron after coding-DNA position 746, G replaced by A.
Molecular consequence: splice donor variant. On other transcripts: synonymous variant (1).
Genome position (GRCh38, 1-based): chr9:95,481,948, C>T on the plus strand (G>A on the coding strand, the complement: PTCH1 is on the minus strand). VCF-style: chr9-95481948-C-T. GRCh37 (hg19) VCF-style: chr9-98244230-C-T.
Other names: c.549G>A, p.Leu183= (NM_001354919.2); c.743+1G>A (NM_001083603.3); c.548+1G>A (NM_001083602.3); c.746+1G>A (NM_001354918.2); c.293+1G>A (NM_001083605.3, NM_001083604.3, NM_001083606.3 and 1 more transcripts).
Identifiers: ClinVar variation 2099363 (VCV002099363.4), dbSNP rs1131690994, ClinGen allele CA374114789.